The following is an entry in ClinVar:

ClinVar aggregate classification (germline): Likely pathogenic (1 of 4 stars; one submission).

Conditions:
COL4A5-related disorder. Also called: COL4A5-related condition.

Submission:

PreventionGenetics, part of Exact Sciences
Classification: Likely pathogenic for COL4A5-related condition. Last evaluated: 2022-12-08. Review status: criteria provided, single submitter. Criteria: ACMG Guidelines, 2015. Collection method: clinical testing. Allele origin: germline.
Comment: The COL4A5 c.3107-1G>A variant is predicted to disrupt the AG splice acceptor site and interfere with normal splicing. To our knowledge, this variant has not been reported in the literature or in a large population database, indicating this variant is rare. A different variant that affects this same splice acceptor site (c.3107-2A>G) has been reported in a patient with Alport syndrome (Martin et al 1998. PubMed ID: 9848783). Variants that disrupt the consensus splice acceptor site in COL4A5 are expected to be pathogenic. This variant is interpreted as likely pathogenic.

NM_033380.3(COL4A5):c.3107-1G>A

Gene: COL4A5 (collagen type IV alpha 5 chain; plus strand). Cytogenetic location: Xq22.3.
Variant type: single nucleotide variant.
Coding change: c.3107-1G>A on transcript NM_033380.3 (MANE Select); the canonical splice acceptor site of the intron before coding-DNA position 3107, G replaced by A.
Molecular consequence: splice acceptor variant.
Genome position (GRCh38, 1-based): chrX:108,626,209, G>A. VCF-style: chrX-108626209-G-A. GRCh37 (hg19) VCF-style: chrX-107869439-G-A.
Other names: c.3107-1G>A (NM_000495.5).
Identifiers: ClinVar variation 2635212 (VCV002635212.1), dbSNP rs2524422819, ClinGen allele CA413854839.